The following is an entry in ClinVar:

NM_016204.4(GDF2):c.89G>C (p.Arg30Pro)

Gene: GDF2 (growth differentiation factor 2; plus strand). Cytogenetic location: 10q11.22.
Variant type: single nucleotide variant.
Coding change: c.89G>C on transcript NM_016204.4 (MANE Select); coding-DNA position 89, G replaced by C.
Protein change: p.Arg30Pro; replaces arginine 30 with proline.
Molecular consequence: missense variant.
Genome position (GRCh38, 1-based): chr10:47,322,757, G>C. VCF-style: chr10-47322757-G-C. GRCh37 (hg19) VCF-style: chr10-48416605-C-G.
Other names: short protein forms R30P.
Identifiers: ClinVar variation 541540 (VCV000541540.6), dbSNP rs368827442, ClinGen allele CA5488210.
Genomic context (GRCh38, chr10:47,322,757, plus strand): 5'-TGCCCCTGCTGTCCCTGCTGGCTGGCTCCCTACAGGGGAAGCCACTGCAGAGCTGGGGAC[G>C]AGGGTCTGCTGGGGGAAACGCCCACAGCCCACTGGGGGTGCCTGGAGGTGGGCTGCCTGA-3'
Protein context (NP_057288.1, residues 20-40): LQGKPLQSWG[Arg30Pro]GSAGGNAHSP

ClinVar aggregate classification (germline): Uncertain significance. Review status: criteria provided, multiple submitters, no conflicts (2 of 4 stars). 2 submissions from 2 submitters: Uncertain significance (2). Last evaluated 2025-11-18.

Conditions:
Telangiectasia, hereditary hemorrhagic, type 5 (HHT5). Identifiers: Orphanet 774, MedGen C3809710, MONDO:0014217, OMIM 615506.

Allele frequency attached by ClinVar (database versions not stated): TOPMed 0.00001.

Submissions (2):

Labcorp Genetics (formerly Invitae), Labcorp
Classification: Uncertain significance for Telangiectasia, hereditary hemorrhagic, type 5. Last evaluated: 2025-11-18. Review status: criteria provided, single submitter. Criteria: Invitae Variant Classification Sherloc (09022015). Collection method: clinical testing. Allele origin: germline.
Comment: This sequence change replaces arginine, which is basic and polar, with proline, which is neutral and non-polar, at codon 30 of the GDF2 protein (p.Arg30Pro). This variant is present in population databases (rs368827442, gnomAD 0.007%). This variant has not been reported in the literature in individuals affected with GDF2-related conditions. ClinVar contains an entry for this variant (Variation ID: 541540). An algorithm developed to predict the effect of missense changes on protein structure and function (PolyPhen-2) suggests that this variant is likely to be tolerated. In summary, the available evidence is currently insufficient to determine the role of this variant in disease. Therefore, it has been classified as a Variant of Uncertain Significance.

Blueprint Genetics
Classification: Uncertain significance. Last evaluated: 2024-06-14. Review status: criteria provided, single submitter. Criteria: ACMG Guidelines, 2015. Collection method: clinical testing. Allele origin: germline.